The following is an entry in ClinVar:

ClinVar aggregate classification (germline): Likely benign. Review status: criteria provided, single submitter (1 of 4 stars). 2 submissions from 2 submitters: Likely benign (1). 1 of the submissions does not count toward it. Last evaluated 2025-10-01.

Conditions:
FOCAD-related disorder. Also called: FOCAD-related condition.

Allele frequency attached by ClinVar (database versions not stated): gnomAD exomes 0.00034; ExAC 0.00012; gnomAD 0.00019; TOPMed 0.00022; ESP Exome Variant Server 0.00023.
gnomAD v4.1: 530 of 1,614,020 alleles (0.033%); highest among the groups gnomAD compares: Non-Finnish European, 0.042%; no homozygotes.

Submissions (2):

Labcorp Genetics (formerly Invitae), Labcorp
Classification: Likely benign. Last evaluated: 2025-10-01. Review status: criteria provided, single submitter. Criteria: Invitae Variant Classification Sherloc (09022015). Collection method: clinical testing. Allele origin: germline.

PreventionGenetics, part of Exact Sciences
Classification: Likely benign for FOCAD-related condition. Last evaluated: 2023-12-19. Review status: no assertion criteria provided. Collection method: clinical testing. Allele origin: germline. Not counted in ClinVar's aggregate classification.
Comment: This variant is classified as likely benign based on ACMG/AMP sequence variant interpretation guidelines (Richards et al. 2015 PMID: 25741868, with internal and published modifications).

NM_001375567.1(FOCAD):c.1128T>C (p.Ser376=)

Gene: FOCAD (focadhesin; plus strand). Cytogenetic location: 9p21.3.
Variant type: single nucleotide variant.
Coding change: c.1128T>C on transcript NM_001375567.1 (MANE Select); coding-DNA position 1128, T replaced by C.
Protein change: p.Ser376=; no amino-acid change (serine 376 retained).
Molecular consequence: synonymous variant.
Genome position (GRCh38, 1-based): chr9:20,781,860, T>C. VCF-style: chr9-20781860-T-C. GRCh37 (hg19) VCF-style: chr9-20781859-T-C.
Other names: c.1128T>C (NM_017794.4); c.1128T>C, p.Ser376= (NM_001375568.1, NM_017794.5); c.1023T>C, p.Ser341= (NM_001375570.1).
Identifiers: ClinVar variation 2888256 (VCV002888256.5), dbSNP rs147163830, ClinGen allele CA5006616.
Genomic context (GRCh38, chr9:20,781,860, plus strand): 5'-GCAGATACTATCTTCTACTGCCTTGGAAGACTGTATATCTGTGGATGAAGAAGGTCCCTC[T>C]AGGCAGCAGTTGGCTCTAAACCTTTTGGAAATGATACAGCAGGAATGTTACAGAGATGAC-3'
Protein context (NP_001362496.1, residues 366-386): DCISVDEEGP[Ser376=]RQQLALNLLE